The following is an entry in ClinVar:

ClinVar aggregate classification (germline): Uncertain significance (1 of 4 stars; one submission).

gnomAD v4.1: 1 of 1,611,762 alleles (0.000062%); highest among the groups gnomAD compares: Non-Finnish European, 0.000085%; no homozygotes.

Submission:

Labcorp Genetics (formerly Invitae), Labcorp
Classification: Uncertain significance. Last evaluated: 2022-10-04. Review status: criteria provided, single submitter. Criteria: Invitae Variant Classification Sherloc (09022015). Collection method: clinical testing. Allele origin: germline.
Comment: In summary, the available evidence is currently insufficient to determine the role of this variant in disease. Therefore, it has been classified as a Variant of Uncertain Significance. This variant has not been reported in the literature in individuals affected with AP3D1-related conditions. Algorithms developed to predict the effect of missense changes on protein structure and function (SIFT, PolyPhen-2, Align-GVGD) all suggest that this variant is likely to be tolerated. This sequence change replaces proline, which is neutral and non-polar, with arginine, which is basic and polar, at codon 835 of the AP3D1 protein (p.Pro835Arg). This variant is not present in population databases (gnomAD no frequency).

NM_001261826.3(AP3D1):c.2504C>G (p.Pro835Arg)

Gene: AP3D1 (adaptor related protein complex 3 subunit delta 1; minus strand). Cytogenetic location: 19p13.3.
Variant type: single nucleotide variant.
Coding change: c.2504C>G on transcript NM_001261826.3 (MANE Select); coding-DNA position 2504, C replaced by G.
Protein change: p.Pro835Arg; replaces proline 835 with arginine.
Molecular consequence: missense variant.
Genome position (GRCh38, 1-based): chr19:2,114,222, G>C on the plus strand (C>G on the coding strand, the complement: AP3D1 is on the minus strand). VCF-style: chr19-2114222-G-C. GRCh37 (hg19) VCF-style: chr19-2114221-G-C.
Other names: c.2504C>G, p.Pro835Arg (NM_001374799.1, NM_003938.8); short protein forms P835R.
Identifiers: ClinVar variation 2418184 (VCV002418184.5), dbSNP rs2145035166, ClinGen allele CA403208649.
Genomic context (GRCh38, chr19:2,114,222, plus strand): 5'-TCTTTCTCTTTGTGTTTTTTCTCTTTCTTCTTGGGTTTCTTGCTCTTCTTTTCTACCATG[G>C]GAACGTCCTTCTCAGGGGATTTTGAGGTCTCGGTGTTTCTGTGTTTCTGAATAGGCAGTT-3'
Protein context (NP_001248755.1, residues 825-845): ETSKSPEKDV[Pro835Arg]MVEKKSKKPK